The following is an entry in ClinVar:

NM_022081.6(HPS4):c.315C>T (p.Cys105=)

Gene: HPS4 (HPS4 biogenesis of lysosomal organelles complex 3 subunit 2; minus strand). Cytogenetic location: 22q12.1.
Variant type: single nucleotide variant.
Coding change: c.315C>T on transcript NM_022081.6 (MANE Select); coding-DNA position 315, C replaced by T.
Protein change: p.Cys105=; no amino-acid change (cysteine 105 retained).
Molecular consequence: synonymous variant. On other transcripts: non-coding transcript variant (8).
Genome position (GRCh38, 1-based): chr22:26,472,901, G>A on the plus strand (C>T on the coding strand, the complement: HPS4 is on the minus strand). VCF-style: chr22-26472901-G-A. GRCh37 (hg19) VCF-style: chr22-26868867-G-A.
Other names: c.315C>T, p.Cys105= (NM_001349896.1, NM_001349898.2, NM_001349899.2 and 7 more transcripts); c.300C>T, p.Cys100= (NM_152841.2).
Identifiers: ClinVar variation 2715006 (VCV002715006.4), dbSNP rs541941563, ClinGen allele CA10163750.

ClinVar aggregate classification (germline): Likely benign. Review status: criteria provided, multiple submitters, no conflicts (2 of 4 stars). 2 submissions from 2 submitters: Likely benign (2). Last evaluated 2024-09-24.

Allele frequency attached by ClinVar (database versions not stated): gnomAD exomes 0.00001; ExAC 0.00002; gnomAD 0.00009; TOPMed 0.00012; 1000 Genomes Project 30x 0.00016; 1000 Genomes Project 0.00020.
gnomAD v4.1: 24 of 1,614,218 alleles (0.0015%); highest among the groups gnomAD compares: African/African-American, 0.027%; no homozygotes.

Submissions (2):

Women's Health and Genetics/Laboratory Corporation of America, LabCorp
Classification: Likely benign. Last evaluated: 2024-09-24. Review status: criteria provided, single submitter. Criteria: LabCorp Variant Classification Summary - May 2015. Collection method: clinical testing. Allele origin: germline.
Comment: Variant summary: HPS4 c.315C>T alters a conserved nucleotide resulting in a synonymous change. Consensus agreement among computation tools predict no significant impact on normal splicing. However, these predictions have yet to be confirmed by functional studies. The variant allele was found at a frequency of 1.6e-05 in 251472 control chromosomes (gnomAD). The available data on variant occurrences in the general population are insufficient to allow any conclusion about variant significance. To our knowledge, no occurrence of c.315C>T in individuals affected with Hermansky-Pudlak Syndrome and no experimental evidence demonstrating its impact on protein function have been reported. ClinVar contains an entry for this variant (Variation ID: 2715006). Based on the evidence outlined above, the variant was classified as likely benign.

Labcorp Genetics (formerly Invitae), Labcorp
Classification: Likely benign. Last evaluated: 2024-08-05. Review status: criteria provided, single submitter. Criteria: Invitae Variant Classification Sherloc (09022015). Collection method: clinical testing. Allele origin: germline.